The following is an entry in ClinVar:

NM_016034.5(MRPS2):c.44-11C>G

Gene: MRPS2 (mitochondrial ribosomal protein S2; plus strand). Cytogenetic location: 9q34.3.
Variant type: single nucleotide variant.
Coding change: c.44-11C>G on transcript NM_016034.5 (MANE Select); 11 bases into the intron before coding-DNA position 44, C replaced by G.
Molecular consequence: intron variant.
Genome position (GRCh38, 1-based): chr9:135,500,987, C>G. VCF-style: chr9-135500987-C-G. GRCh37 (hg19) VCF-style: chr9-138392833-C-G.
Other names: c.44-11C>G (NM_001371401.1).
Identifiers: ClinVar variation 2760177 (VCV002760177.3), dbSNP rs1831101669, ClinGen allele CA375481290.
Genomic context (GRCh38, chr9:135,500,987, plus strand): 5'-GGGGATGCGGTGGGGAGCGGGCGTGGTGCATTCGGGACTCGGCGCCAGGACCTCTATCTA[C>G]TTCCCCCCAGGTGCCCGGGCCCCGTCGCGCTGGTTGGGCTTTCTCGGGAAGGCGACCCCC-3'

ClinVar aggregate classification (germline): Uncertain significance (1 of 4 stars; one submission).

Allele frequency attached by ClinVar (database versions not stated): TOPMed 0.00001.

Submission:

Labcorp Genetics (formerly Invitae), Labcorp
Classification: Uncertain significance. Last evaluated: 2023-06-14. Review status: criteria provided, single submitter. Criteria: Invitae Variant Classification Sherloc (09022015). Collection method: clinical testing. Allele origin: germline.
Comment: This sequence change falls in intron 1 of the MRPS2 gene. It does not directly change the encoded amino acid sequence of the MRPS2 protein. This variant is not present in population databases (gnomAD no frequency). This variant has not been reported in the literature in individuals affected with MRPS2-related conditions. Algorithms developed to predict the effect of sequence changes on RNA splicing suggest that this variant may create or strengthen a splice site. In summary, the available evidence is currently insufficient to determine the role of this variant in disease. Therefore, it has been classified as a Variant of Uncertain Significance.